The following is an entry in ClinVar:

ClinVar aggregate classification (germline): Uncertain significance (1 of 4 stars; one submission).

gnomAD v4.1: 1 of 1,613,546 alleles (0.000062%); highest among the groups gnomAD compares: Non-Finnish European, 0.000085%; no homozygotes.

Submission:

CeGaT Center for Human Genetics Tuebingen
Classification: Uncertain significance. Last evaluated: 2026-08-01. Review status: criteria provided, single submitter. Criteria: CeGaT Center For Human Genetics Tuebingen Variant Classification Criteria Version 2. Collection method: clinical testing. Allele origin: germline. Affected: yes. Observed: 1 variant allele.
Comment: GABRA5: PM2

NM_000810.4(GABRA5):c.212G>C (p.Arg71Pro)

Gene: GABRA5 (gamma-aminobutyric acid type A receptor subunit alpha5; plus strand). Cytogenetic location: 15q12.
Variant type: single nucleotide variant.
Coding change: c.212G>C on transcript NM_000810.4 (MANE Select); coding-DNA position 212, G replaced by C.
Protein change: p.Arg71Pro; replaces arginine 71 with proline.
Molecular consequence: missense variant.
Genome position (GRCh38, 1-based): chr15:26,883,169, G>C. VCF-style: chr15-26883169-G-C. GRCh37 (hg19) VCF-style: chr15-27128316-G-C.
Other names: c.212G>C, p.Arg71Pro (NM_001165037.2); short protein forms R71P.
Identifiers: ClinVar variation 5040443 (VCV005040443.1).